The following is an entry in ClinVar:

NM_015158.5(KANK1):c.623C>G (p.Ala208Gly)

Gene: KANK1 (KN motif and ankyrin repeat domains 1; plus strand). Cytogenetic location: 9p24.3.
Variant type: single nucleotide variant.
Coding change: c.623C>G on transcript NM_015158.5 (MANE Select); coding-DNA position 623, C replaced by G.
Protein change: p.Ala208Gly; replaces alanine 208 with glycine.
Molecular consequence: missense variant. On other transcripts: non-coding transcript variant (1).
Genome position (GRCh38, 1-based): chr9:711,389, C>G. VCF-style: chr9-711389-C-G. GRCh37 (hg19) VCF-style: chr9-711389-C-G.
Other names: c.623C>G, p.Ala208Gly (NM_001256876.3, NM_001256877.3, NM_001354331.2 and 2 more transcripts); c.149C>G, p.Ala50Gly (NM_001354333.2, NM_001354335.2, NM_001354336.2 and 9 more transcripts); short protein forms A50G, A208G.
Identifiers: ClinVar variation 2827604 (VCV002827604.3), dbSNP rs2539691241, ClinGen allele CA372746529.

ClinVar aggregate classification (germline): Uncertain significance (1 of 4 stars; one submission).

Submission:

Labcorp Genetics (formerly Invitae), Labcorp
Classification: Uncertain significance. Last evaluated: 2023-01-12. Review status: criteria provided, single submitter. Criteria: Invitae Variant Classification Sherloc (09022015). Collection method: clinical testing. Allele origin: germline.
Comment: In summary, the available evidence is currently insufficient to determine the role of this variant in disease. Therefore, it has been classified as a Variant of Uncertain Significance. Advanced modeling of protein sequence and biophysical properties (such as structural, functional, and spatial information, amino acid conservation, physicochemical variation, residue mobility, and thermodynamic stability) performed at Invitae indicates that this missense variant is not expected to disrupt KANK1 protein function. This variant has not been reported in the literature in individuals affected with KANK1-related conditions. This variant is not present in population databases (gnomAD no frequency). This sequence change replaces alanine, which is neutral and non-polar, with glycine, which is neutral and non-polar, at codon 208 of the KANK1 protein (p.Ala208Gly).